The following is an entry in ClinVar:

NC_000001.10:g.(?_57372320)_(57378318_?)del

Gene: C8A (complement C8 alpha chain; plus strand). Cytogenetic location: 1p32.2.
Variant type: Deletion.
Identifiers: ClinVar variation 3247897 (VCV003247897.1).

ClinVar aggregate classification (germline): Uncertain significance (1 of 4 stars; one submission).

Submission:

Labcorp Genetics (formerly Invitae), Labcorp
Classification: Uncertain significance. Last evaluated: 2023-08-17. Review status: criteria provided, single submitter. Criteria: Invitae Variant Classification Sherloc (09022015). Collection method: clinical testing. Allele origin: unknown.
Comment: In summary, the available evidence is currently insufficient to determine the role of this variant in disease. Therefore, it has been classified as a Variant of Uncertain Significance. Experimental studies and prediction algorithms are not available or were not evaluated, and the functional significance of this variant is currently unknown. This variant has not been reported in the literature in individuals affected with C8A-related conditions. This variant is a gross deletion of the genomic region encompassing exon(s) 8-10 of the C8A gene. This variant would be expected to be in-frame, preserving the integrity of the reading frame.